The following is an entry in ClinVar:

NM_012309.5(SHANK2):c.4915T>G (p.Leu1639Val)

Gene: SHANK2 (SH3 and multiple ankyrin repeat domains 2; minus strand). Cytogenetic location: 11q13.3.
Variant type: single nucleotide variant.
Coding change: c.4915T>G on transcript NM_012309.5 (MANE Select); coding-DNA position 4915, T replaced by G.
Protein change: p.Leu1639Val; replaces leucine 1639 with valine.
Molecular consequence: missense variant.
Genome position (GRCh38, 1-based): chr11:70,485,378, A>C on the plus strand (T>G on the coding strand, the complement: SHANK2 is on the minus strand). VCF-style: chr11-70485378-A-C. GRCh37 (hg19) VCF-style: chr11-70331483-A-C.
Other names: c.3778T>G, p.Leu1260Val (NM_001379226.1); c.5035T>G, p.Leu1679Val (NM_001441024.1); c.4864T>G, p.Leu1622Val (NM_001441025.1, NM_001441026.1, NM_001441027.1 and 8 more transcripts); c.4837T>G, p.Leu1613Val (NM_001441035.1, NM_001441036.1, NM_001441037.1); c.4792T>G, p.Leu1598Val (NM_001441038.1); c.3748T>G, p.Leu1250Val (NM_001441040.1); c.3700T>G, p.Leu1234Val (NM_001441041.1); c.3142T>G, p.Leu1048Val (NM_001441042.1); and 6 more; short protein forms L1007V, L1025V, L1034V, L1041V, L1044V, L1048V, L1051V, L1234V.
Identifiers: ClinVar variation 4882594 (VCV004882594.2).

ClinVar aggregate classification (germline): Uncertain significance (1 of 4 stars; one submission).

Submission:

Dasa
Classification: Uncertain significance. Last evaluated: 2025-05-12. Review status: criteria provided, single submitter. Criteria: DASA Assertion Criteria. Collection method: clinical testing. Allele origin: germline.
Comment: NM_012309.5(SHANK2):c.4915T>G (p.Leu1639Val) is a missense variant that results in the substitution of leucine with valine. This variant is absent from population databases. Computational prediction algorithms are consistent with a benign effect. The currently available literature and clinical evidence are not sufficient to establish a definitive association between this variant and the reported condition. Therefore, this variant is classified as a variant of uncertain significance.